The following is an entry in ClinVar:

NM_033380.3(COL4A5):c.4609_4610del (p.Ser1537fs)

Gene: COL4A5 (collagen type IV alpha 5 chain; plus strand). Cytogenetic location: Xq22.3.
Variant type: Deletion.
Coding change: c.4609_4610del on transcript NM_033380.3 (MANE Select); coding-DNA positions 4609 to 4610, 2 bases deleted (TC; older notation c.4609_4610delTC).
Protein change: p.Ser1537fs; shifts the reading frame from serine 1537.
Molecular consequence: frameshift variant.
Genome position (GRCh38, 1-based): chrX:108,692,828-108,692,829, TC deleted. VCF-style (leftmost placement, unchanged base first): chrX-108692827-TTC-T. GRCh37 (hg19) VCF-style: chrX-107936057-TTC-T.
Other names: c.4591_4592del, p.Ser1531fs (NM_000495.5); short protein forms S1531fs, S1537fs.
Identifiers: ClinVar variation 1726746 (VCV001726746.2), dbSNP rs2524646173, ClinGen allele CA2580100182.
Genomic context (GRCh38, chrX:108,692,827, plus strand): 5'-TCGTCGCTTTAGTACCATGCCTTTCATGTTCTGCAACATCAATAATGTTTGCAACTTTGC[TTC>T]AAGAAATGACTATTCTTACTGGCTCTCTACCCCAGAGCCCATGCCAATGAGCATGCAACC-3'

ClinVar aggregate classification (germline): Likely pathogenic (1 of 4 stars; one submission).

Conditions:
X-linked Alport syndrome (ATS1). Also called: NEPHROPATHY AND DEAFNESS, X-LINKED; COL4A5-Related Nephropathy. Identifiers: Orphanet 63, Orphanet 88917, MedGen C4746986, MONDO:0010520, OMIM 301050.

Submission:

Myriad Genetics, Inc.
Classification: Likely pathogenic for X-linked Alport syndrome. Last evaluated: 2021-12-31. Review status: criteria provided, single submitter. Criteria: Myriad Women's Health Autosomal Recessive and X-Linked Classification Criteria (2021). Collection method: clinical testing. Allele origin: unknown.
Comment: NM_000495.4(COL4A5):c.4591_4592delTC(S1531Kfs*3) is expected to be pathogenic in the context of X-linked Alport syndrome. This variant is predicted to lead to an abnormal or absent protein product due to the creation of a premature termination codon in COL4A5, a gene where loss-of-function variants are known to be pathogenic. Please note: this variant was assessed in the context of healthy population screening.